The following is an entry in ClinVar:

NM_001042545.2(LTBP4):c.3426T>C (p.Thr1142=)

Gene: LTBP4 (latent transforming growth factor beta binding protein 4; plus strand). Cytogenetic location: 19q13.2.
Variant type: single nucleotide variant.
Coding change: c.3426T>C on transcript NM_001042545.2 (MANE Select); coding-DNA position 3426, T replaced by C.
Protein change: p.Thr1142=; no amino-acid change (threonine 1142 retained).
Molecular consequence: synonymous variant.
Genome position (GRCh38, 1-based): chr19:40,622,609, T>C. VCF-style: chr19-40622609-T-C. GRCh37 (hg19) VCF-style: chr19-41128514-T-C.
Other names: c.3627T>C, p.Thr1209= (NM_001042544.1); c.3516T>C, p.Thr1172= (NM_003573.2).
Identifiers: ClinVar variation 681369 (VCV000681369.1), dbSNP rs1599875956, ClinGen allele CA507685381.

ClinVar aggregate classification (germline): Likely benign (1 of 4 stars; one submission).

Allele frequency attached by ClinVar (database versions not stated): gnomAD below 0.00001 and 0.00001.
gnomAD v4.1: 3 of 1,612,472 alleles (0.00019%); highest among the groups gnomAD compares: South Asian, 0.0022%; no homozygotes.

Submission:

GeneDx
Classification: Likely benign. Last evaluated: 2018-03-30. Review status: criteria provided, single submitter. Criteria: GeneDx Variant Classification (06012015). Collection method: clinical testing. Allele origin: germline. Affected: yes.
Comment: This variant is considered likely benign or benign based on one or more of the following criteria: it is a conservative change, it occurs at a poorly conserved position in the protein, it is predicted to be benign by multiple in silico algorithms, and/or has population frequency not consistent with disease.